The following is an entry in ClinVar:

NM_139248.3(LIPH):c.263del (p.Met88fs)

Gene: LIPH (lipase H; minus strand). Cytogenetic location: 3q27.2.
Variant type: Deletion.
Coding change: c.263del on transcript NM_139248.3 (MANE Select); coding-DNA position 263, one base deleted (T; older notation c.263delT).
Protein change: p.Met88fs; shifts the reading frame from methionine 88.
Molecular consequence: frameshift variant.
Genome position (GRCh38, 1-based): chr3:185,534,919, A deleted on the plus strand (T on the coding strand, the reverse complement: LIPH is on the minus strand). VCF-style (leftmost placement, unchanged base first): chr3-185534918-CA-C. GRCh37 (hg19) VCF-style: chr3-185252706-CA-C.
Other names: short protein forms M88fs.
Identifiers: ClinVar variation 3391346 (VCV003391346.1).

ClinVar aggregate classification (germline): Likely pathogenic (1 of 4 stars; one submission).

Conditions:
Hypotrichosis 7 (HYPT7). Also called: HYPOTRICHOSIS, LOCALIZED, AUTOSOMAL RECESSIVE 2; HYPOTRICHOSIS, AUTOSOMAL RECESSIVE. Identifiers: Orphanet 55654, MedGen C1836672, MONDO:0011452, OMIM 604379.

Submission:

Neuberg Centre For Genomic Medicine, NCGM
Classification: Likely pathogenic for Hypotrichosis 7. Review status: criteria provided, single submitter. Criteria: ACMG Guidelines, 2015. Collection method: clinical testing. Allele origin: germline. Inheritance: Autosomal recessive inheritance. Affected: yes.
Comment: The frameshift c.263delp.Met88ArgfsTer4 variant in LIPH gene has not been reported previously as a pathogenic variant nor as a benign variant, to our knowledge. The p.Met88ArgfsTer4 variant is present with allele frequency of 0.0008% in gnomAD Exomes. This variant has not been submitted to the ClinVar database. This variant causes a frameshift starting with codon Methionine 88, changes this amino acid to Arginine residue, and creates a premature Stop codon at position 4 of the new reading frame, denoted p.Met88ArgfsTer4. This variant is predicted to cause loss of normal protein function through protein truncation. Loss of function variants have been previously reported to be disease causing. For these reasons, this variant has been classified as Likely Pathogenic.